The following is an entry in ClinVar:

ClinVar aggregate classification (germline): Likely benign. Review status: criteria provided, multiple submitters, no conflicts (2 of 4 stars). 3 submissions from 3 submitters: Likely benign (3). Last evaluated 2025-03-21.

Allele frequency attached by ClinVar (database versions not stated): ExAC 0.00001; gnomAD exomes 0.00001.
gnomAD v4.1: 13 of 1,613,884 alleles (0.00081%); highest among the groups gnomAD compares: Admixed American, 0.0067%; no homozygotes.

Submissions (3):

Labcorp Genetics (formerly Invitae), Labcorp
Classification: Likely benign. Last evaluated: 2025-03-21. Review status: criteria provided, single submitter. Criteria: Invitae Variant Classification Sherloc (09022015). Collection method: clinical testing. Allele origin: germline.

CeGaT Center for Human Genetics Tuebingen
Classification: Likely benign. Last evaluated: 2024-02-01. Review status: criteria provided, single submitter. Criteria: CeGaT Center For Human Genetics Tuebingen Variant Classification Criteria Version 2. Collection method: clinical testing. Allele origin: germline. Affected: yes. Observed: 1 variant allele.
Comment: LRP5: BP4, BP7

Blueprint Genetics
Classification: Likely benign. Last evaluated: 2023-04-19. Review status: criteria provided, single submitter. Criteria: ACMG Guidelines, 2015. Collection method: clinical testing. Allele origin: germline.

NM_002335.4(LRP5):c.3015C>T (p.Asp1005=)

Gene: LRP5 (LDL receptor related protein 5; plus strand). Cytogenetic location: 11q13.2.
Variant type: single nucleotide variant.
Coding change: c.3015C>T on transcript NM_002335.4 (MANE Select); coding-DNA position 3015, C replaced by T.
Protein change: p.Asp1005=; no amino-acid change (aspartic acid 1005 retained).
Molecular consequence: synonymous variant.
Genome position (GRCh38, 1-based): chr11:68,416,515, C>T. VCF-style: chr11-68416515-C-T. GRCh37 (hg19) VCF-style: chr11-68183983-C-T.
Other names: c.1272C>T, p.Asp424= (NM_001291902.2).
Identifiers: ClinVar variation 2087264 (VCV002087264.27), dbSNP rs749039189, ClinGen allele CA6149806.